The following is an entry in ClinVar:

ClinVar aggregate classification (germline): Pathogenic (1 of 4 stars; one submission).

Submission:

ISCA Site 6
Classification: Pathogenic. Last evaluated: 2011-08-12. Review status: criteria provided, single submitter. Criteria: Kaminsky et al. (Genet Med. 2011). Collection method: clinical testing. Allele origin: unknown. Affected: yes. Observed: 1 variant allele.
Comment: Copy number variation identified through the course of routine clinical cytogenomic testing in postnatal populations. Clinical assertions have been curated as described in Kaminsky et al. 2011.

GRCh38/hg38 5p15.33-12(chr5:54839-45649861)x3

Genes: LPCAT1 (lysophosphatidylcholine acyltransferase 1), LRRC14B (leucine rich repeat containing 14B; plus strand), LSINCT5 (long stress-induced non-coding transcript 5; plus strand), MARCHF11 (membrane associated ring-CH-type finger 11; minus strand), MARCHF11-AS1 (MARCHF11 antisense RNA 1; plus strand) and 955 more. Cytogenetic location: 5p15.33-12.
Variant type: copy number gain.
Change: copy number 3 (three copies instead of two) of chr5:54,839-45,649,861 (45.60 Mb, GRCh38 coordinates, 1-based), cytogenetic band 5p15.33-12.
Identifiers: ClinVar variation 58067 (VCV000058067.2).